The following is an entry in ClinVar:

NM_001281740.3(FHOD3):c.4426-7C>T

Gene: FHOD3 (formin homology 2 domain containing 3; plus strand). Cytogenetic location: 18q12.2.
Variant type: single nucleotide variant.
Coding change: c.4426-7C>T on transcript NM_001281740.3 (MANE Select); 7 bases into the intron before coding-DNA position 4426, C replaced by T.
Molecular consequence: intron variant.
Genome position (GRCh38, 1-based): chr18:36,759,111, C>T. VCF-style: chr18-36759111-C-T. GRCh37 (hg19) VCF-style: chr18-34339074-C-T.
Other names: c.3901-1497C>T (NM_025135.5); c.3850-1497C>T (NM_001281739.3).
Identifiers: ClinVar variation 4820556 (VCV004820556.2), dbSNP rs773764877.
Genomic context (GRCh38, chr18:36,759,111, plus strand): 5'-GACTTCTGTGCCTTCTAAGAATCCCTTCTGTCTTTTCCGTCCTGTCCTGTCCTGTCCTCT[C>T]GGGTAGACTGATGAGGAGGAGGAAGTTGAGGTATGACCATTTATGAACATGAAGAATGCC-3'

ClinVar aggregate classification (germline): Likely benign. Review status: criteria provided, multiple submitters, no conflicts (2 of 4 stars). 2 submissions from 2 submitters: Likely benign (2). Last evaluated 2026-03-27.

gnomAD v4.1: 207 of 1,535,714 alleles (0.013%); highest among the groups gnomAD compares: Non-Finnish European, 0.015%; no homozygotes.

Submissions (2):

Molecular Diagnostic Laboratory for Inherited Cardiovascular Disease, Montreal Heart Institute
Classification: Likely benign. Last evaluated: 2026-03-27. Review status: criteria provided, single submitter. Criteria: ACMG Guidelines, 2015. Collection method: clinical testing. Allele origin: germline. Affected: no.
Comment: BP4

Blueprint Genetics
Classification: Likely benign. Last evaluated: 2024-05-17. Review status: criteria provided, single submitter. Criteria: ACMG Guidelines, 2015. Collection method: clinical testing. Allele origin: germline.